The following is an entry in ClinVar:

NM_030665.4(RAI1):c.458C>T (p.Pro153Leu)

Gene: RAI1 (retinoic acid induced 1; plus strand). Cytogenetic location: 17p11.2.
Variant type: single nucleotide variant.
Coding change: c.458C>T on transcript NM_030665.4 (MANE Select); coding-DNA position 458, C replaced by T.
Protein change: p.Pro153Leu; replaces proline 153 with leucine.
Molecular consequence: missense variant.
Genome position (GRCh38, 1-based): chr17:17,793,406, C>T. VCF-style: chr17-17793406-C-T. GRCh37 (hg19) VCF-style: chr17-17696720-C-T.
Other names: short protein forms P153L.
Identifiers: ClinVar variation 1098581 (VCV001098581.6), dbSNP rs1468262694, ClinGen allele CA398545504.

ClinVar aggregate classification (germline): Uncertain significance. Review status: criteria provided, multiple submitters, no conflicts (2 of 4 stars). 2 submissions from 2 submitters: Uncertain significance (2). Last evaluated 2024-06-22.

Conditions:
Smith-Magenis syndrome (SMS). Also called: CHROMOSOME 17p11.2 DELETION SYNDROME. Identifiers: Orphanet 819, MedGen C0795864, MONDO:0008434, OMIM 182290.

Allele frequency attached by ClinVar (database versions not stated): TOPMed 0.00001; gnomAD 0.00002.
gnomAD v4.1: 10 of 1,613,166 alleles (0.00062%); highest among the groups gnomAD compares: Admixed American, 0.0033%; no homozygotes.

Submissions (2):

Labcorp Genetics (formerly Invitae), Labcorp
Classification: Uncertain significance. Last evaluated: 2024-06-22. Review status: criteria provided, single submitter. Criteria: Invitae Variant Classification Sherloc (09022015). Collection method: clinical testing. Allele origin: germline.
Comment: This sequence change replaces proline, which is neutral and non-polar, with leucine, which is neutral and non-polar, at codon 153 of the RAI1 protein (p.Pro153Leu). This variant is not present in population databases (gnomAD no frequency). This variant has not been reported in the literature in individuals affected with RAI1-related conditions. ClinVar contains an entry for this variant (Variation ID: 1098581). Advanced modeling of protein sequence and biophysical properties (such as structural, functional, and spatial information, amino acid conservation, physicochemical variation, residue mobility, and thermodynamic stability) performed at Invitae indicates that this missense variant is not expected to disrupt RAI1 protein function with a negative predictive value of 80%. In summary, the available evidence is currently insufficient to determine the role of this variant in disease. Therefore, it has been classified as a Variant of Uncertain Significance.

New York Genome Center
Classification: Uncertain significance for Smith-Magenis syndrome. Last evaluated: 2020-06-19. Review status: criteria provided, single submitter. Criteria: NYGC Assertion Criteria 2020. Collection method: clinical testing. Allele origin: inherited. Observed: 1 heterozygote. Study: CSER-NYCKidSeq.